The following is an entry in ClinVar:

NM_014822.4(SEC24D):c.755C>T (p.Pro252Leu)

Gene: SEC24D (SEC24 homolog D, COPII component; minus strand). Cytogenetic location: 4q26.
Variant type: single nucleotide variant.
Coding change: c.755C>T on transcript NM_014822.4 (MANE Select); coding-DNA position 755, C replaced by T.
Protein change: p.Pro252Leu; replaces proline 252 with leucine.
Molecular consequence: missense variant.
Genome position (GRCh38, 1-based): chr4:118,815,074, G>A on the plus strand (C>T on the coding strand, the complement: SEC24D is on the minus strand). VCF-style: chr4-118815074-G-A. GRCh37 (hg19) VCF-style: chr4-119736229-G-A.
Other names: c.758C>T, p.Pro253Leu (NM_001318066.2); short protein forms P253L, P252L.
Identifiers: ClinVar variation 738929 (VCV000738929.26), dbSNP rs372402939, ClinGen allele CA3057454.

ClinVar aggregate classification (germline): Likely benign. Review status: criteria provided, multiple submitters, no conflicts (2 of 4 stars). 3 submissions from 3 submitters: Likely benign (2). 1 of the submissions does not count toward it. Last evaluated 2025-12-25.

Conditions:
SEC24D-related disorder. Also called: SEC24D-related condition.

Allele frequency attached by ClinVar (database versions not stated): gnomAD 0.00006 and 0.00021; ESP Exome Variant Server 0.00008; TOPMed 0.00011; gnomAD exomes 0.00024 and 0.00048; ExAC 0.00054; 1000 Genomes Project 30x 0.00156; 1000 Genomes Project 0.00180.

Submissions (3):

Labcorp Genetics (formerly Invitae), Labcorp
Classification: Likely benign. Last evaluated: 2025-12-25. Review status: criteria provided, single submitter. Criteria: Invitae Variant Classification Sherloc (09022015). Collection method: clinical testing. Allele origin: germline.

CeGaT Center for Human Genetics Tuebingen
Classification: Likely benign. Last evaluated: 2024-07-01. Review status: criteria provided, single submitter. Criteria: CeGaT Center For Human Genetics Tuebingen Variant Classification Criteria Version 2. Collection method: clinical testing. Allele origin: germline. Affected: yes. Observed: 1 variant allele.
Comment: SEC24D: BP4, BS2

PreventionGenetics, part of Exact Sciences
Classification: Likely benign for SEC24D-related condition. Last evaluated: 2023-04-11. Review status: no assertion criteria provided. Collection method: clinical testing. Allele origin: germline. Not counted in ClinVar's aggregate classification.
Comment: This variant is classified as likely benign based on ACMG/AMP sequence variant interpretation guidelines (Richards et al. 2015 PMID: 25741868, with internal and published modifications).